The following is an entry in ClinVar:

NM_002878.4(RAD51D):c.454G>T (p.Ala152Ser)

Genes: RAD51D (RAD51 paralog D; minus strand), RAD51L3-RFFL (RAD51L3-RFFL readthrough; minus strand). Cytogenetic location: 17q12.
Variant type: single nucleotide variant.
Coding change: c.454G>T on transcript NM_002878.4 (MANE Select); coding-DNA position 454, G replaced by T.
Protein change: p.Ala152Ser; replaces alanine 152 with serine.
Molecular consequence: missense variant. On other transcripts: non-coding transcript variant (1), intron variant (1).
Genome position (GRCh38, 1-based): chr17:35,107,014, C>A on the plus strand (G>T on the coding strand, the complement: RAD51D is on the minus strand). VCF-style: chr17-35107014-C-A. GRCh37 (hg19) VCF-style: chr17-33434033-C-A.
Other names: c.514G>T, p.Ala172Ser (NM_001142571.2); c.145-533G>T (NM_133629.3); short protein forms A152S, A172S.
Identifiers: ClinVar variation 4844329 (VCV004844329.1).

ClinVar aggregate classification (germline): Uncertain significance (1 of 4 stars; one submission).

Conditions:
Hereditary cancer-predisposing syndrome. Also called: Neoplastic Syndromes, Hereditary; Tumor predisposition; Hereditary Cancer Syndrome; Hereditary neoplastic syndrome. Identifiers: Orphanet 140162, MedGen C0027672, MeSH D009386, MONDO:0015356.

Submission:

Ambry Genetics
Classification: Uncertain significance for Hereditary cancer-predisposing syndrome. Last evaluated: 2026-02-19. Review status: criteria provided, single submitter. Criteria: Ambry Variant Classification Scheme 2023. Collection method: clinical testing. Allele origin: germline.
Comment: The p.A152S variant (also known as c.454G>T), located in coding exon 5 of the RAD51D gene, results from a G to T substitution at nucleotide position 454. The alanine at codon 152 is replaced by serine, an amino acid with similar properties. This amino acid position is conserved. In addition, this alteration is predicted to be tolerated by in silico analysis. Based on the available evidence, the clinical significance of this variant remains unclear.